The following is an entry in ClinVar:

NM_001348768.2(HECW2):c.1856C>G (p.Pro619Arg)

Gene: HECW2 (HECT, C2 and WW domain containing E3 ubiquitin protein ligase 2; minus strand). Cytogenetic location: 2q32.3.
Variant type: single nucleotide variant.
Coding change: c.1856C>G on transcript NM_001348768.2 (MANE Select); coding-DNA position 1856, C replaced by G.
Protein change: p.Pro619Arg; replaces proline 619 with arginine.
Molecular consequence: missense variant.
Genome position (GRCh38, 1-based): chr2:196,319,034, G>C on the plus strand (C>G on the coding strand, the complement: HECW2 is on the minus strand). VCF-style: chr2-196319034-G-C. GRCh37 (hg19) VCF-style: chr2-197183758-G-C.
Other names: c.788C>G, p.Pro263Arg (NM_001304840.3); c.1856C>G, p.Pro619Arg (NM_020760.4); short protein forms P263R, P619R.
Identifiers: ClinVar variation 720342 (VCV000720342.7), dbSNP rs150979237, ClinGen allele CA2038245.

ClinVar aggregate classification (germline): Likely benign. Review status: criteria provided, multiple submitters, no conflicts (2 of 4 stars). 4 submissions from 4 submitters: Likely benign (3). 1 of the submissions does not count toward it. Last evaluated 2024-10-18.

Conditions:
HECW2-related disorder. Also called: HECW2-related condition.

Allele frequency attached by ClinVar (database versions not stated): ESP Exome Variant Server 0.00131; gnomAD 0.00204 and 0.00220; TOPMed 0.00238; 1000 Genomes Project 30x 0.00359; 1000 Genomes Project 0.00379.
gnomAD v4.1: 586 of 1,613,806 alleles (0.036%); highest among the groups gnomAD compares: African/African-American, 0.67%; 1 homozygote.

Submissions (4):

Blueprint Genetics
Classification: Likely benign. Last evaluated: 2024-10-18. Review status: criteria provided, single submitter. Criteria: ACMG Guidelines, 2015. Collection method: clinical testing. Allele origin: germline.

Labcorp Genetics (formerly Invitae), Labcorp
Classification: Likely benign. Last evaluated: 2018-07-15. Review status: criteria provided, single submitter. Criteria: Invitae Variant Classification Sherloc (09022015). Collection method: clinical testing. Allele origin: germline.

Breakthrough Genomics
Classification: Likely benign. Review status: criteria provided, single submitter. Criteria: ACMG Guidelines, 2015. Collection method: not provided. Allele origin: germline. Inheritance: Autosomal dominant inheritance. Affected: yes.

PreventionGenetics, part of Exact Sciences
Classification: Benign for HECW2-related condition. Last evaluated: 2019-06-14. Review status: no assertion criteria provided. Collection method: clinical testing. Allele origin: germline. Not counted in ClinVar's aggregate classification.
Comment: This variant is classified as benign based on ACMG/AMP sequence variant interpretation guidelines (Richards et al. 2015 PMID: 25741868, with internal and published modifications).